The following is an entry in ClinVar:

ClinVar aggregate classification (germline): Uncertain significance (1 of 4 stars; one submission).

Allele frequency attached by ClinVar (database versions not stated): TOPMed 0.00007; ESP Exome Variant Server 0.00008; gnomAD 0.00009 and 0.00010; gnomAD exomes 0.00011 and 0.00013; ExAC 0.00012.
gnomAD v4.1: 175 of 1,613,992 alleles (0.011%); highest among the groups gnomAD compares: Non-Finnish European, 0.014%; no homozygotes.

Submission:

GeneDx
Classification: Uncertain significance. Last evaluated: 2019-04-29. Review status: criteria provided, single submitter. Criteria: GeneDx Variant Classification Process June 2021. Collection method: clinical testing. Allele origin: germline. Affected: yes.
Comment: Nonsense variant predicted to result in protein truncation or nonsense mediated decay in a gene for which loss-of-function is not a known mechanism of disease; This variant is associated with the following publications: (PMID: 25349199, 29982877)

NM_001025616.3(ARHGAP24):c.120G>A (p.Trp40Ter)

Gene: ARHGAP24 (Rho GTPase activating protein 24; plus strand). Cytogenetic location: 4q21.23.
Variant type: single nucleotide variant.
Coding change: c.120G>A on transcript NM_001025616.3 (MANE Select); coding-DNA position 120, G replaced by A.
Protein change: p.Trp40Ter; replaces tryptophan 40 with a stop codon.
Molecular consequence: nonsense.
Genome position (GRCh38, 1-based): chr4:85,570,661, G>A. VCF-style: chr4-85570661-G-A. GRCh37 (hg19) VCF-style: chr4-86491814-G-A.
Other names: short protein forms W40*.
Identifiers: ClinVar variation 1303259 (VCV001303259.2), dbSNP rs201841441, ClinGen allele CA2994320.